The following is an entry in ClinVar:

NM_000218.3(KCNQ1):c.1129-8G>A

Gene: KCNQ1 (potassium voltage-gated channel subfamily Q member 1; plus strand). Cytogenetic location: 11p15.5.
Variant type: single nucleotide variant.
Coding change: c.1129-8G>A on transcript NM_000218.3 (MANE Select); 8 bases into the intron before coding-DNA position 1129, G replaced by A.
Molecular consequence: intron variant.
Genome position (GRCh38, 1-based): chr11:2,587,562, G>A. VCF-style: chr11-2587562-G-A. GRCh37 (hg19) VCF-style: chr11-2608792-G-A.
Other names: c.859-8G>A (NM_001406837.1); c.1033-8G>A (NM_001406836.1); c.589-8G>A (NM_001406838.1); c.748-8G>A (NM_181798.2).
Identifiers: ClinVar variation 505422 (VCV000505422.19), dbSNP rs200612600, ClinGen allele CA027313.

ClinVar aggregate classification (germline): Conflicting classifications of pathogenicity. Review status: criteria provided, conflicting classifications (1 of 4 stars). 5 submissions from 5 submitters: Uncertain significance (1); Benign (1); Likely benign (3). Last evaluated 2025-05-06.

Conditions:
Cardiac arrhythmia. Also called: Cardiac rhythm disease; Arrhythmia. Identifiers: MedGen C0003811, MONDO:0007263, HP:0011675.
Long QT syndrome (LQTS). Identifiers: MedGen C0023976, MeSH D008133, MONDO:0002442. Disease mechanism: loss of function. Inheritance: Various modes of inheritance.

Allele frequency attached by ClinVar (database versions not stated): TOPMed 0.00005; 1000 Genomes Project 30x 0.00016; 1000 Genomes Project 0.00020.
gnomAD v4.1: 69 of 1,613,558 alleles (0.0043%); highest among the groups gnomAD compares: East Asian, 0.018%; no homozygotes.

Submissions (5):

Labcorp Genetics (formerly Invitae), Labcorp
Classification: Likely benign for Long QT syndrome. Last evaluated: 2025-05-06. Review status: criteria provided, single submitter. Criteria: Invitae Variant Classification Sherloc (09022015). Collection method: clinical testing. Allele origin: germline.

All of Us Research Program, National Institutes of Health
Classification: Likely benign for Long QT syndrome. Last evaluated: 2023-11-10. Review status: criteria provided, single submitter. Criteria: ACMG Guidelines, 2015. Collection method: clinical testing. Allele origin: germline. Inheritance: Autosomal dominant inheritance. Observed: 6 variant alleles, 6 heterozygotes.
Comment: This study involves interpretation of variants in research participants for the purpose of population health screening. Participant phenotype was not available at the time of variant classification. Additional details can be found in publication PMID: 35346344, PMCID: PMC8962531

Color Diagnostics, LLC DBA Color Health
Classification: Likely benign for Arrhythmia. Last evaluated: 2019-07-09. Review status: criteria provided, single submitter. Criteria: ACMG Guidelines, 2015. Collection method: clinical testing. Allele origin: germline.

GeneDx
Classification: Benign. Last evaluated: 2017-05-03. Review status: criteria provided, single submitter. Criteria: GeneDx Variant Classification (06012015). Collection method: clinical testing. Allele origin: germline. Affected: yes.
Comment: This variant is considered likely benign or benign based on one or more of the following criteria: it is a conservative change, it occurs at a poorly conserved position in the protein, it is predicted to be benign by multiple in silico algorithms, and/or has population frequency not consistent with disease.

Laboratory for Molecular Medicine, Mass General Brigham Personalized Medicine
Classification: Uncertain significance. Last evaluated: 2016-12-22. Review status: criteria provided, single submitter. Criteria: LMM Criteria. Collection method: clinical testing. Allele origin: germline. Observed: 1 variant allele.
Comment: The c.1129-8G>A variant in KCNQ1 has not been previously reported in individuals with hearing loss, but has been identified in 4/8562 East Asian chromosomes by the Exome Aggregation Consortium (ExAC; dbSNP rs 200612600). This variant is located in the 3' splice region. Computational tools do not suggest an impact to splicing. However, this information is not predicti ve enough to rule out pathogenicity. In summary, the clinical significance of th e c.1129-8G>A variant is uncertain.